The following is an entry in ClinVar:

ClinVar aggregate classification (germline): Likely pathogenic (1 of 4 stars; one submission).

Conditions:
Anemia, nonspherocytic hemolytic, due to G6PD deficiency (CNSHA1). Also called: Hemolytic anemia due to G6PD deficiency; Class I glucose-6-phosphate dehydrogenase deficiency; Favism, susceptibility to; ANEMIA, CONGENITAL, NONSPHEROCYTIC HEMOLYTIC, 1. Identifiers: Orphanet 466026, MedGen C2720289, MONDO:0010480, OMIM 300908.

Submission:

Dunham Lab, University of Washington
Classification: Likely pathogenic for Anemia, nonspherocytic hemolytic, due to G6PD deficiency. Last evaluated: 2022-08-12. Review status: criteria provided, single submitter. Criteria: Bayesian ACMG Guidelines, 2018. Collection method: curation. Allele origin: unknown. Affected: yes.
Comment: Decreased activity in red blood cells (PS3). Not found in gnomAD (PM2). Post_P 0.949 (odds of pathogenicity 168.4, Prior_P 0.1).

Literature cited by the submitters: PubMed 12064902.

NM_001360016.2(G6PD):c.832T>C (p.Ser278Pro)

Gene: G6PD (glucose-6-phosphate dehydrogenase; minus strand). Cytogenetic location: Xq28.
Variant type: single nucleotide variant.
Coding change: c.832T>C on transcript NM_001360016.2 (MANE Select); coding-DNA position 832, T replaced by C.
Protein change: p.Ser278Pro; replaces serine 278 with proline.
Molecular consequence: missense variant.
Genome position (GRCh38, 1-based): chrX:154,533,608, A>G on the plus strand (T>C on the coding strand, the complement: G6PD is on the minus strand). VCF-style: chrX-154533608-A-G. GRCh37 (hg19) VCF-style: chrX-153761823-A-G.
Other names: G6PD La Jolla; c.922T>C, p.Ser308Pro (NM_000402.4); c.832T>C, p.Ser278Pro (NM_001042351.3); short protein forms S278P, S308P.
Identifiers: ClinVar variation 1722588 (VCV001722588.2), dbSNP rs2523265466, ClinGen allele CA415235173.